The following is an entry in ClinVar:

ClinVar aggregate classification (germline): Pathogenic (1 of 4 stars; one submission).

Conditions:
Nemaline myopathy 9 (NEM9). Identifiers: MedGen C3810384, MONDO:0014326, OMIM 615731.

Submission:

Labcorp Genetics (formerly Invitae), Labcorp
Classification: Pathogenic for Nemaline myopathy 9. Last evaluated: 2022-09-12. Review status: criteria provided, single submitter. Criteria: Invitae Variant Classification Sherloc (09022015). Collection method: clinical testing. Allele origin: germline.
Comment: For these reasons, this variant has been classified as Pathogenic. This variant disrupts a region of the KLHL41 protein in which other variant(s) (p.Lys583Thrfs*7) have been determined to be pathogenic (PMID: 24268659). This suggests that this is a clinically significant region of the protein, and that variants that disrupt it are likely to be disease-causing. This variant has not been reported in the literature in individuals affected with KLHL41-related conditions. This variant is not present in population databases (gnomAD no frequency). This sequence change creates a premature translational stop signal (p.Tyr545Cysfs*13) in the KLHL41 gene. While this is not anticipated to result in nonsense mediated decay, it is expected to disrupt the last 62 amino acid(s) of the KLHL41 protein.

Literature cited by the submitters: PubMed 24268659.

NM_006063.3(KLHL41):c.1632_1633del (p.Tyr545fs)

Gene: KLHL41 (kelch like family member 41; plus strand). Cytogenetic location: 2q31.1.
Variant type: Deletion.
Coding change: c.1632_1633del on transcript NM_006063.3 (MANE Select); coding-DNA positions 1632 to 1633, 2 bases deleted (GT; older notation c.1632_1633delGT).
Protein change: p.Tyr545fs; shifts the reading frame from tyrosine 545.
Molecular consequence: frameshift variant.
Genome position (GRCh38, 1-based): chr2:169,520,930-169,520,931, GT deleted; deleting any 2 consecutive bases within chr2:169,520,929-169,520,931 gives the same sequence; the c. name uses the placement nearest the transcript's 3' end. VCF-style (leftmost placement, unchanged base first): chr2-169520928-CTG-C. GRCh37 (hg19) VCF-style: chr2-170377438-CTG-C.
Other names: short protein forms Y545fs.
Identifiers: ClinVar variation 2030088 (VCV002030088.4), dbSNP rs2468062223, ClinGen allele CA2580064479.